The following is an entry in ClinVar:

ClinVar aggregate classification (germline): Pathogenic (1 of 4 stars; one submission).

Submission:

Labcorp Genetics (formerly Invitae), Labcorp
Classification: Pathogenic. Last evaluated: 2024-07-31. Review status: criteria provided, single submitter. Criteria: Invitae Variant Classification Sherloc (09022015). Collection method: clinical testing. Allele origin: germline.
Comment: This sequence change creates a premature translational stop signal (p.Ala2411Cysfs*19) in the ACAN gene. It is expected to result in an absent or disrupted protein product. Loss-of-function variants in ACAN are known to be pathogenic (PMID: 16080123, 24762113). This variant is not present in population databases (gnomAD no frequency). This variant has not been reported in the literature in individuals affected with ACAN-related conditions. For these reasons, this variant has been classified as Pathogenic.

Literature cited by the submitters: PubMed 16080123; PubMed 24762113.

NM_001369268.1(ACAN):c.7344dup (p.Ala2449fs)

Gene: ACAN (aggrecan; plus strand). Cytogenetic location: 15q26.1.
Variant type: Duplication.
Coding change: c.7344dup on transcript NM_001369268.1 (MANE Select); coding-DNA position 7344, one base duplicated (T; older notation c.7344dupT).
Protein change: p.Ala2449fs; shifts the reading frame from alanine 2449.
Molecular consequence: frameshift variant.
Genome position (GRCh38, 1-based): chr15:88,872,922, T duplicated; the last of 6 consecutive T bases (chr15:88,872,917-88,872,922); duplicating any one gives the same sequence. VCF-style (leftmost placement, unchanged base first): chr15-88872916-C-CT. GRCh37 (hg19) VCF-style: chr15-89416147-C-CT.
Other names: c.7116dup, p.Ala2373fs (NM_001135.4, NM_001411096.1); c.7230dup, p.Ala2411fs (NM_001411097.1, NM_013227.4); short protein forms A2411fs, A2449fs, A2373fs.
Identifiers: ClinVar variation 3649983 (VCV003649983.2).
Genomic context (GRCh38, chr15:88,872,916, plus strand): 5'-ACTCCTTCCCCACTCCCACCCACAGCAATTTGAGAACTGGCGCCCCAACCAGCCTGACAA[C>CT]TTTTTTGCCGCTGGAGAGGACTGTGTGGTGATGATCTGGCACGAGAAGGGCGAGTGGAAT-3'